The following is an entry in ClinVar:

ClinVar aggregate classification (germline): Likely benign. Review status: criteria provided, multiple submitters, no conflicts (2 of 4 stars). 2 submissions from 2 submitters: Likely benign (2). Last evaluated 2025-02-25.

Conditions:
Hereditary pheochromocytoma and paraganglioma. Also called: Hereditary Paraganglioma-Pheochromocytoma Syndromes; Hereditary paragangliomas and pheochromocytomas; Hereditary pheochromocytoma-paraganglioma. Identifiers: Orphanet 29072, MedGen C4274332, MONDO:0017366.

Submissions (2):

Labcorp Genetics (formerly Invitae), Labcorp
Classification: Likely benign for Hereditary pheochromocytoma and paraganglioma. Last evaluated: 2025-02-25. Review status: criteria provided, single submitter. Criteria: Invitae Variant Classification Sherloc (09022015). Collection method: clinical testing. Allele origin: germline.

GeneDx
Classification: Likely benign. Last evaluated: 2018-02-22. Review status: criteria provided, single submitter. Criteria: GeneDx Variant Classification (06012015). Collection method: clinical testing. Allele origin: germline. Affected: yes.
Comment: This variant is considered likely benign or benign based on one or more of the following criteria: it is a conservative change, it occurs at a poorly conserved position in the protein, it is predicted to be benign by multiple in silico algorithms, and/or has population frequency not consistent with disease.

NM_017849.4(TMEM127):c.276C>G (p.Leu92=)

Gene: TMEM127 (transmembrane protein 127; minus strand). Cytogenetic location: 2q11.2.
Variant type: single nucleotide variant.
Coding change: c.276C>G on transcript NM_017849.4 (MANE Select); coding-DNA position 276, C replaced by G.
Protein change: p.Leu92=; no amino-acid change (leucine 92 retained).
Molecular consequence: synonymous variant.
Genome position (GRCh38, 1-based): chr2:96,254,966, G>C on the plus strand (C>G on the coding strand, the complement: TMEM127 is on the minus strand). VCF-style: chr2-96254966-G-C. GRCh37 (hg19) VCF-style: chr2-96920704-G-C.
Other names: c.276C>G, p.Leu92= (NM_001193304.3).
Identifiers: ClinVar variation 515768 (VCV000515768.9), dbSNP rs769267631, ClinGen allele CA427495593.
Genomic context (GRCh38, chr2:96,254,966, plus strand): 5'-AAGGAAAGCGGAGAGACTACACAGGATGCCCAGGAAACAGAAGGCGGCGATGACCCGCAG[G>C]AGCAGCACTGTCTGGGGATTCATGCAGAAATCTGTAGAGGGAGAACCAAATTTTCACGGC-3'
Protein context (NP_060319.1, residues 82-102): DFCMNPQTVL[Leu92=]LRVIAAFCFL